The following is an entry in ClinVar:

ClinVar aggregate classification (germline): Conflicting classifications of pathogenicity. Review status: criteria provided, conflicting classifications (1 of 4 stars). 2 submissions from 2 submitters: Uncertain significance (1); Likely benign (1). Last evaluated 2023-04-18.

Conditions:
Inborn genetic diseases. Identifiers: MedGen C0950123, MeSH D030342.

Allele frequency attached by ClinVar (database versions not stated): TOPMed below 0.00001; gnomAD 0.00001; gnomAD exomes 0.00001.
gnomAD v4.1: 11 of 1,198,959 alleles (0.00092%); highest among the groups gnomAD compares: Non-Finnish European, 0.0012%; no homozygotes.

Submissions (2):

Ambry Genetics
Classification: Uncertain significance for Inborn genetic diseases. Last evaluated: 2023-04-18. Review status: criteria provided, single submitter. Criteria: Ambry Variant Classification Scheme 2023. Collection method: clinical testing. Allele origin: germline.

GeneDx
Classification: Likely benign. Last evaluated: 2023-01-25. Review status: criteria provided, single submitter. Criteria: GeneDx Variant Classification Process June 2021. Collection method: clinical testing. Allele origin: germline. Affected: yes.
Comment: See Variant Classification Assertion Criteria.

NM_004606.5(TAF1):c.44C>T (p.Pro15Leu)

Genes: TAF1 (TATA-box binding protein associated factor 1; plus strand), LOC130068417 (ATAC-STARR-seq lymphoblastoid active region 29743; plus strand). Cytogenetic location: Xq13.1.
Variant type: single nucleotide variant.
Coding change: c.44C>T on transcript NM_004606.5 (MANE Select); coding-DNA position 44, C replaced by T.
Protein change: p.Pro15Leu; replaces proline 15 with leucine.
Molecular consequence: missense variant. On other transcripts: non-coding transcript variant (9).
Genome position (GRCh38, 1-based): chrX:71,366,418, C>T. VCF-style: chrX-71366418-C-T. GRCh37 (hg19) VCF-style: chrX-70586268-C-T.
Other names: c.44C>T, p.Pro15Leu (NM_001286074.2, NM_138923.4); short protein forms P15L.
Identifiers: ClinVar variation 429244 (VCV000429244.10), dbSNP rs201002218, ClinGen allele CA331021918.